The following is an entry in ClinVar:

NM_020708.5(SLC12A5):c.2039T>C (p.Val680Ala)

Gene: SLC12A5 (solute carrier family 12 member 5; plus strand). Cytogenetic location: 20q13.12.
Variant type: single nucleotide variant.
Coding change: c.2039T>C on transcript NM_020708.5 (MANE Select); coding-DNA position 2039, T replaced by C.
Protein change: p.Val680Ala; replaces valine 680 with alanine.
Molecular consequence: missense variant.
Genome position (GRCh38, 1-based): chr20:46,049,648, T>C. VCF-style: chr20-46049648-T-C. GRCh37 (hg19) VCF-style: chr20-44678287-T-C.
Other names: c.2108T>C, p.Val703Ala (NM_001134771.2); short protein forms V680A, V703A.
Identifiers: ClinVar variation 5041828 (VCV005041828.1).

ClinVar aggregate classification (germline): Uncertain significance (1 of 4 stars; one submission).

Submission:

CeGaT Center for Human Genetics Tuebingen
Classification: Uncertain significance. Last evaluated: 2026-09-01. Review status: criteria provided, single submitter. Criteria: CeGaT Center For Human Genetics Tuebingen Variant Classification Criteria Version 2. Collection method: clinical testing. Allele origin: germline. Affected: yes. Observed: 1 variant allele.
Comment: SLC12A5: PM2